The following is an entry in ClinVar:

ClinVar aggregate classification (germline): Uncertain significance. Review status: criteria provided, multiple submitters, no conflicts (2 of 4 stars). 2 submissions from 2 submitters: Uncertain significance (2). Last evaluated 2025-08-14.

Allele frequency attached by ClinVar (database versions not stated): TOPMed below 0.00001; ExAC 0.00001; gnomAD exomes 0.00001.
gnomAD v4.1: 10 of 1,613,762 alleles (0.00062%); highest among the groups gnomAD compares: African/African-American, 0.0013%; no homozygotes.

Submissions (2):

Labcorp Genetics (formerly Invitae), Labcorp
Classification: Uncertain significance. Last evaluated: 2025-08-14. Review status: criteria provided, single submitter. Criteria: Invitae Variant Classification Sherloc (09022015). Collection method: clinical testing. Allele origin: germline.
Comment: This sequence change replaces glycine, which is neutral and non-polar, with glutamic acid, which is acidic and polar, at codon 684 of the COL9A2 protein (p.Gly684Glu). This variant is present in population databases (rs765273618, gnomAD 0.002%). This variant has not been reported in the literature in individuals affected with COL9A2-related conditions. ClinVar contains an entry for this variant (Variation ID: 2144325). An algorithm developed to predict the effect of missense changes on protein structure and function (PolyPhen-2) suggests that this variant is likely to be disruptive. In summary, the available evidence is currently insufficient to determine the role of this variant in disease. Therefore, it has been classified as a Variant of Uncertain Significance.

CeGaT Center for Human Genetics Tuebingen
Classification: Uncertain significance. Last evaluated: 2024-02-01. Review status: criteria provided, single submitter. Criteria: CeGaT Center For Human Genetics Tuebingen Variant Classification Criteria Version 2. Collection method: clinical testing. Allele origin: germline. Affected: yes. Observed: 1 variant allele.
Comment: COL9A2: PM2, PP3, BP1

NM_001852.4(COL9A2):c.2051G>A (p.Gly684Glu)

Gene: COL9A2 (collagen type IX alpha 2 chain; minus strand). Cytogenetic location: 1p34.2.
Variant type: single nucleotide variant.
Coding change: c.2051G>A on transcript NM_001852.4 (MANE Select); coding-DNA position 2051, G replaced by A.
Protein change: p.Gly684Glu; replaces glycine 684 with glutamic acid.
Molecular consequence: missense variant.
Genome position (GRCh38, 1-based): chr1:40,301,201, C>T on the plus strand (G>A on the coding strand, the complement: COL9A2 is on the minus strand). VCF-style: chr1-40301201-C-T. GRCh37 (hg19) VCF-style: chr1-40766873-C-T.
Other names: short protein forms G684E.
Identifiers: ClinVar variation 2144325 (VCV002144325.26), dbSNP rs765273618, ClinGen allele CA791249.